The following is an entry in ClinVar:

ClinVar aggregate classification (germline): Uncertain significance (1 of 4 stars; one submission).

Submission:

GeneDx
Classification: Uncertain significance. Last evaluated: 2023-10-06. Review status: criteria provided, single submitter. Criteria: GeneDx Variant Classification Process June 2021. Collection method: clinical testing. Allele origin: germline. Affected: yes.
Comment: Not observed at significant frequency in large population cohorts (gnomAD); In silico analysis supports that this missense variant does not alter protein structure/function; Has not been previously published as pathogenic or benign to our knowledge

NM_001346249.2(RALGAPA1):c.3916A>G (p.Ser1306Gly)

Gene: RALGAPA1 (Ral GTPase activating protein catalytic subunit alpha 1; minus strand). Cytogenetic location: 14q13.2.
Variant type: single nucleotide variant.
Coding change: c.3916A>G on transcript NM_001346249.2 (MANE Select); coding-DNA position 3916, A replaced by G.
Protein change: p.Ser1306Gly; replaces serine 1306 with glycine.
Molecular consequence: missense variant. On other transcripts: intron variant (7).
Genome position (GRCh38, 1-based): chr14:35,688,495, T>C on the plus strand (A>G on the coding strand, the complement: RALGAPA1 is on the minus strand). VCF-style: chr14-35688495-T-C. GRCh37 (hg19) VCF-style: chr14-36157701-T-C.
Other names: c.2480A>G, p.Gln827Arg (NM_001283043.3); c.3775A>G, p.Ser1259Gly (NM_001330075.3, NM_001346248.2); c.2434+1341A>G (NM_194301.4, NM_001346246.2, NM_014990.3 and 1 more transcripts); c.2575+1341A>G (NM_001346247.2, NM_001283044.3, NM_001346245.2); short protein forms Q827R, S1259G, S1306G.
Identifiers: ClinVar variation 1695589 (VCV001695589.3), dbSNP rs2140435329, ClinGen allele CA389463892.